The following is an entry in ClinVar:

NC_000014.9:g.100376409T>C

Gene: WDR25 (WD repeat domain 25; plus strand). Cytogenetic location: 14q32.2.
Variant type: single nucleotide variant.
Genome position: GRCh38 VCF-style: chr14-100376409-T-C. GRCh37 (hg19) VCF-style: chr14-100842746-T-C.
Identifiers: ClinVar variation 4988789 (VCV004988789.1).

ClinVar aggregate classification (germline): Likely benign (1 of 4 stars; one submission).

Conditions:
WDR25-related condition.

Submission:

PreventionGenetics, part of Exact Sciences
Classification: Likely benign for WDR25-related condition. Last evaluated: 2025-07-01. Review status: criteria provided, single submitter. Criteria: ACMG Guidelines, 2015. Collection method: clinical testing. Allele origin: germline.
Comment: This variant is classified as likely benign based on ACMG/AMP sequence variant interpretation guidelines (Richards et al. 2015 PMID: 25741868, with internal and published modifications).